The following is an entry in ClinVar:

NM_002958.4(RYK):c.71CGC[7] (p.Pro27_Pro28dup)

Gene: RYK (receptor like tyrosine kinase; minus strand). Cytogenetic location: 3q22.2.
Variant type: Microsatellite.
Coding change: c.71CGC[7] on transcript NM_002958.4 (MANE Select); seven copies in a row of the 3-base unit CGC starting at c.71; the reference has five copies in a row; two copies, 6 bases duplicated.
Protein change: p.Pro27_Pro28dup.
Molecular consequence: inframe insertion.
Genome position (GRCh38, 1-based): chr3:134,250,570-134,250,575, GCGGCG duplicated on the plus strand (CGCCGC on the coding strand, the reverse complement: RYK is on the minus strand); duplicating any 6 consecutive bases within chr3:134,250,570-134,250,585 gives the same sequence; the position shown is the placement nearest the transcript's 3' end. VCF-style (leftmost placement, unchanged base first): chr3-134250569-A-AGCGGCG. GRCh37 (hg19) VCF-style: chr3-133969413-A-AGCGGCG.
Other names: c.71CGC[7], p.Pro27_Pro28dup (NM_001005861.3); c.85_86insCGCCGC (NM_001005861.2); c.78_83dup6 (NM_001005861.2).
Identifiers: ClinVar variation 780896 (VCV000780896.5), dbSNP rs1284777873, ClinGen allele CA546894581.

ClinVar aggregate classification (germline): Benign. Review status: criteria provided, single submitter (1 of 4 stars). 2 submissions from 2 submitters: Benign (1). 1 of the submissions does not count toward it. Last evaluated 2018-06-27.

Conditions:
RYK-related disorder. Also called: RYK-related condition.

Submissions (2):

Labcorp Genetics (formerly Invitae), Labcorp
Classification: Benign. Last evaluated: 2018-06-27. Review status: criteria provided, single submitter. Criteria: Invitae Variant Classification Sherloc (09022015). Collection method: clinical testing. Allele origin: germline.

PreventionGenetics, part of Exact Sciences
Classification: Benign for RYK-related condition. Last evaluated: 2023-12-20. Review status: no assertion criteria provided. Collection method: clinical testing. Allele origin: germline. Not counted in ClinVar's aggregate classification.
Comment: This variant is classified as benign based on ACMG/AMP sequence variant interpretation guidelines (Richards et al. 2015 PMID: 25741868, with internal and published modifications).